The following is an entry in ClinVar:

ClinVar aggregate classification (germline): Benign. Review status: criteria provided, multiple submitters, no conflicts (2 of 4 stars). 3 submissions from 3 submitters: Benign (3). Last evaluated 2018-07-27.

Conditions:
Congenital disorder of glycosylation (CDG). Also called: Carbohydrate-deficient glycoprotein syndrome; Congenital disorders of glycosylation. Identifiers: Orphanet 137, MedGen C0282577, MONDO:0015286.

Allele frequency attached by ClinVar (database versions not stated): gnomAD 0.20059; gnomAD exomes 0.20323; TOPMed 0.20647; 1000 Genomes Project 30x 0.21362; 1000 Genomes Project 0.22005.
gnomAD v4.1: 268,904 of 1,323,854 alleles (20%); highest among the groups gnomAD compares: South Asian, 27%; 27,764 homozygotes.

Submissions (3):

GeneDx
Classification: Benign. Last evaluated: 2018-07-27. Review status: criteria provided, single submitter. Criteria: GeneDx Variant Classification Process June 2021. Collection method: clinical testing. Allele origin: germline. Affected: yes.

Illumina Laboratory Services, Illumina
Classification: Benign for Congenital disorder of glycosylation. Last evaluated: 2018-01-13. Review status: criteria provided, single submitter. Criteria: ICSL Variant Classification Criteria 13 December 2019. Collection method: clinical testing. Allele origin: germline.
Comment: This variant was observed in the ICSL laboratory as part of a predisposition screen in an ostensibly healthy population. It had not been previously curated by ICSL or reported in the Human Gene Mutation Database (HGMD: prior to June 1st, 2018), and was therefore a candidate for classification through an automated scoring system. Utilizing variant allele frequency, disease prevalence and penetrance estimates, and inheritance mode, an automated score was calculated to assess if this variant is too frequent to cause the disease. Based on the score and internal cut-off values, a variant classified as benign is not then subjected to further curation. The score for this variant resulted in a classification of benign for this disease.

Breakthrough Genomics
Classification: Benign. Review status: criteria provided, single submitter. Criteria: ACMG Guidelines, 2015. Collection method: not provided. Allele origin: germline. Inheritance: Autosomal recessive inheritance. Affected: yes.

NM_006765.4(TUSC3):c.-120C>T

Gene: TUSC3 (tumor suppressor candidate 3; plus strand). Cytogenetic location: 8p22.
Variant type: single nucleotide variant.
Coding change: c.-120C>T on transcript NM_006765.4 (MANE Select); 120 bases upstream of the start codon, C replaced by T.
Molecular consequence: 5 prime UTR variant.
Genome position (GRCh38, 1-based): chr8:15,540,311, C>T. VCF-style: chr8-15540311-C-T. GRCh37 (hg19) VCF-style: chr8-15397820-C-T.
Other names: c.-120C>T (NM_001356429.2, NM_178234.2).
Identifiers: ClinVar variation 362304 (VCV000362304.8), dbSNP rs12550009, ClinGen allele CA10630554.